The following is an entry in ClinVar:

NM_138959.3(VANGL1):c.1210G>T (p.Ala404Ser)

Gene: VANGL1 (VANGL planar cell polarity protein 1; plus strand). Cytogenetic location: 1p13.1.
Variant type: single nucleotide variant.
Coding change: c.1210G>T on transcript NM_138959.3 (MANE Select); coding-DNA position 1210, G replaced by T.
Protein change: p.Ala404Ser; replaces alanine 404 with serine.
Molecular consequence: missense variant.
Genome position (GRCh38, 1-based): chr1:115,685,423, G>T. VCF-style: chr1-115685423-G-T. GRCh37 (hg19) VCF-style: chr1-116228044-G-T.
Other names: c.1204G>T, p.Ala402Ser (NM_001172411.2); c.1210G>T, p.Ala404Ser (NM_001172412.2); short protein forms A402S, A404S.
Identifiers: ClinVar variation 874611 (VCV000874611.4), dbSNP rs775571796, ClinGen allele CA1023478.

ClinVar aggregate classification (germline): Uncertain significance. Review status: criteria provided, single submitter (1 of 4 stars). 2 submissions from 1 submitter: Uncertain significance (2). Last evaluated 2017-04-28.

Conditions:
Neural tube defect (NTD). Also called: Neural tube defects. Identifiers: Orphanet 3388, Orphanet 823, MedGen C0027794, MONDO:0018075, HP:0045005.
Sacral defect with anterior meningocele. Identifiers: MedGen C1838568, OMIM 600145.

Allele frequency attached by ClinVar (database versions not stated): ExAC 0.00001; gnomAD exomes 0.00001.
gnomAD v4.1: 4 of 1,614,132 alleles (0.00025%); highest among the groups gnomAD compares: Non-Finnish European, 0.00034%; no homozygotes.

Submissions (2):

Illumina Laboratory Services, Illumina
Classification: Uncertain significance for Sacral defect with anterior meningocele. Last evaluated: 2017-04-28. Review status: criteria provided, single submitter. Criteria: ICSL Variant Classification Criteria 13 December 2019. Collection method: clinical testing. Allele origin: germline.
Comment: This variant was observed as part of a predisposition screen in an ostensibly healthy population. A literature search was performed for the gene, cDNA change, and amino acid change (where applicable). Publications were found based on this search. However, the evidence from the literature, in combination with allele frequency data from public databases where available, was not sufficient to rule this variant in or out of causing disease. Therefore, this variant is classified as a variant of unknown significance.

Illumina Laboratory Services, Illumina
Classification: Uncertain significance for Neural tube defects, susceptibility to. Last evaluated: 2017-04-28. Review status: criteria provided, single submitter. Criteria: ICSL Variant Classification Criteria 13 December 2019. Collection method: clinical testing. Allele origin: germline.
Comment: the same text as in the submission from Illumina Laboratory Services, Illumina above.

Literature cited by the submitters: PubMed 19319979; PubMed 25208524; PubMed 24838524; PubMed 24307374; PubMed 22892949; PubMed 24407469; PubMed 24452931.